The following is an entry in ClinVar:

NM_000465.4(BARD1):c.365-24_371del

Gene: BARD1 (BRCA1 associated RING domain 1; minus strand). Cytogenetic location: 2q35.
Variant type: Deletion.
Coding change: c.365-24_371del on transcript NM_000465.4 (MANE Select); 24 bases into the intron before coding-DNA position 365 through coding-DNA position 371, 31 bases deleted.
Molecular consequence: splice acceptor variant. On other transcripts: intron variant (3).
Genome position (GRCh38, 1-based): chr2:214,781,503-214,781,533, 31 bases deleted; deleting any 31 consecutive bases within chr2:214,781,503-214,781,534 gives the same sequence; the c. name uses the placement nearest the transcript's 3' end. GRCh37 (hg19): chr2:215,646,228-215,646,258.
Other names: c.158+27879_158+27909del (NM_001282548.2); c.308-24_314del (NM_001282543.2); c.215+15528_215+15558del (NM_001282545.2); c.364+10764_364+10794del (NM_001282549.2).
Identifiers: ClinVar variation 1067113 (VCV001067113.8), dbSNP rs2106112761, ClinGen allele CA2499215633.
Genomic context (GRCh38, chr2:214,781,502, plus strand): 5'-TTTAATTGAATTCTTCTTGTTTCCTGCATCATTAAACAAACTTTTCCTAGGTTTATCTTC[TTTCAAATCTGACAGAAAAAAAGAAAAAGAAA>T]TCTGTTACATGAAATTTATTGCTCCCACATGGAGCTCCCGAAGAATTTTGTTTACAGTTC-3'

ClinVar aggregate classification (germline): Likely pathogenic (1 of 4 stars; one submission).

Conditions:
Familial cancer of breast. Also called: hereditary breast carcinoma; BREAST CANCER, FAMILIAL; Hereditary breast cancer. Identifiers: Orphanet 227535, MedGen C0346153, MONDO:0016419, OMIM 114480. Disease mechanism: loss of function.

Submission:

Labcorp Genetics (formerly Invitae), Labcorp
Classification: Likely pathogenic for Familial cancer of breast. Last evaluated: 2020-08-14. Review status: criteria provided, single submitter. Criteria: Invitae Variant Classification Sherloc (09022015). Collection method: clinical testing. Allele origin: germline.
Comment: Algorithms developed to predict the effect of sequence changes on RNA splicing suggest that this variant may disrupt the consensus splice site, but this prediction has not been confirmed by published transcriptional studies. Loss-of-function variants in BARD1 are known to be pathogenic (PMID: 20077502, 21344236). In summary, the currently available evidence indicates that the variant is pathogenic, but additional data are needed to prove that conclusively. Therefore, this variant has been classified as Likely Pathogenic. This variant results in the deletion of part of exon 4 (c.365-24_371del) of the BARD1 gene. It is expected to disrupt RNA splicing and likely results in an absent or disrupted protein product. This variant is not present in population databases (ExAC no frequency). This variant has not been reported in the literature in individuals with BARD1-related conditions.

Literature cited by the submitters: PubMed 20077502; PubMed 21344236.